The following is an entry in ClinVar:

NM_152564.5(VPS13B):c.5214T>C (p.Ala1738=)

Gene: VPS13B (vacuolar protein sorting 13 homolog B; plus strand). Cytogenetic location: 8q22.2.
Variant type: single nucleotide variant.
Coding change: c.5214T>C on transcript NM_152564.5 (MANE Select); coding-DNA position 5214, T replaced by C.
Protein change: p.Ala1738=; no amino-acid change (alanine 1738 retained).
Molecular consequence: synonymous variant.
Genome position (GRCh38, 1-based): chr8:99,577,627, T>C. VCF-style: chr8-99577627-T-C. GRCh37 (hg19) VCF-style: chr8-100589855-T-C.
Other names: c.5289T>C, p.Ala1763= (NM_017890.5).
Identifiers: ClinVar variation 3358317 (VCV003358317.1).

ClinVar aggregate classification (germline): Likely benign (0 of 4 stars; one submission).

Conditions:
VPS13B-related disorder. Also called: VPS13B-related condition.

Submission:

PreventionGenetics, part of Exact Sciences
Classification: Likely benign for VPS13B-related condition. Last evaluated: 2022-07-29. Review status: no assertion criteria provided. Collection method: clinical testing. Allele origin: germline.
Comment: This variant is classified as likely benign based on ACMG/AMP sequence variant interpretation guidelines (Richards et al. 2015 PMID: 25741868, with internal and published modifications).